The following is an entry in ClinVar:

NM_001267550.2(TTN):c.23301C>T (p.Ser7767=)

Gene: TTN (titin; minus strand). Cytogenetic location: 2q31.2.
Variant type: single nucleotide variant.
Coding change: c.23301C>T on transcript NM_001267550.2 (MANE Select); coding-DNA position 23301, C replaced by T.
Protein change: p.Ser7767=; no amino-acid change (serine 7767 retained).
Molecular consequence: synonymous variant. On other transcripts: intron variant (3).
Genome position (GRCh38, 1-based): chr2:178,720,461, G>A on the plus strand (C>T on the coding strand, the complement: TTN is on the minus strand). VCF-style: chr2-178720461-G-A. GRCh37 (hg19) VCF-style: chr2-179585188-G-A.
Other names: p.S7450S:TCC>TCT; p.Ser7450=; c.22350C>T, p.Ser7450= (NM_001256850.1); c.19569C>T, p.Ser6523= (NM_133378.4); c.13282+17621C>T (NM_003319.4); c.13858+17621C>T (NM_133437.4); c.13657+17621C>T (NM_133432.3).
Identifiers: ClinVar variation 46716 (VCV000046716.43), dbSNP rs73038337, ClinGen allele CA282862.
Genomic context (GRCh38, chr2:178,720,461, plus strand): 5'-GCAAGAACACGTGTCACTTCCCACCTCATTAGTAGCTTTGCAGTGATATTCCCCGACATC[G>A]GAGGCTTCAAGATTAAGGATATGAAGACTTGTATCAAAATGTTTTGAAGTGATTTTAAAT-3'
Protein context (NP_001254479.2, residues 7757-7777): TSLHILNLEA[Ser7767=]DVGEYHCKAT

ClinVar aggregate classification (germline): Conflicting classifications of pathogenicity. Review status: criteria provided, conflicting classifications (1 of 4 stars). 21 submissions from 17 submitters: Uncertain significance (2); Benign (12); Likely benign (4). 3 of the submissions do not count toward it. Last evaluated 2026-01-31.

Conditions:
TTN-related disorder. Also called: TTN-related disorders; TTN-related condition; TTN-related disease.
Cardiovascular phenotype. Identifiers: MedGen CN230736.
Dilated cardiomyopathy 1G (CMD1G). Identifiers: Orphanet 154, MedGen C1858763, MONDO:0011400, OMIM 604145.
Autosomal recessive limb-girdle muscular dystrophy type 2J (LGMDR10). Also called: MUSCULAR DYSTROPHY, LIMB-GIRDLE, AUTOSOMAL RECESSIVE 10; Limb-girdle muscular dystrophy, type 2J. Identifiers: Orphanet 140922, MedGen C1837342, MONDO:0012127, OMIM 608807.
Cardiomyopathy (CMYO). Also called: Cardiomyopathies. Identifiers: Orphanet 167848, MedGen C0878544, MONDO:0004994, HP:0001638. Inheritance: Various modes of inheritance.
Early-onset myopathy with fatal cardiomyopathy (CMYO5). Also called: CONGENITAL MYOPATHY 5 WITH CARDIOMYOPATHY; Salih Myopathy. Identifiers: Orphanet 289377, MedGen C2673677, MONDO:0012714, OMIM 611705. Disease mechanism: loss of function.
Tibial muscular dystrophy (TMD). Also called: Udd Distal Myopathy – Tibial Muscular Dystrophy; Tibial muscular dystrophy, tardive; UDD MYOPATHY. Identifiers: Orphanet 609, MedGen C1838244, MONDO:0010870, OMIM 600334.
Myopathy, myofibrillar, 9, with early respiratory failure (MFM9). Also called: Myopathy, distal, with early respiratory failure, autosomal dominant; Hereditary myopathy with early respiratory failure; MYOPATHY, PROXIMAL, WITH EARLY RESPIRATORY MUSCLE INVOLVEMENT; EDSTROM MYOPATHY. Identifiers: Orphanet 178464, Orphanet 34521, MedGen C1863599, MONDO:0011362, OMIM 603689.

Allele frequency attached by ClinVar (database versions not stated): gnomAD exomes 0.00061 and 0.00030; ExAC 0.00073; 1000 Genomes Project 0.00359; TOPMed 0.00298; gnomAD 0.00277 and 0.00293; ESP Exome Variant Server 0.00193; 1000 Genomes Project 30x 0.00406.
gnomAD v4.1: 880 of 1,613,610 alleles (0.055%); highest among the groups gnomAD compares: African/African-American, 1.1%; 3 homozygotes.

Submissions (21):

Labcorp Genetics (formerly Invitae), Labcorp
Classification: Benign for Dilated cardiomyopathy 1G; Autosomal recessive limb-girdle muscular dystrophy type 2J. Last evaluated: 2026-01-31. Review status: criteria provided, single submitter. Criteria: Invitae Variant Classification Sherloc (09022015). Collection method: clinical testing. Allele origin: germline.

Mayo Clinic Laboratories, Mayo Clinic
Classification: Likely benign. Last evaluated: 2025-11-13. Review status: criteria provided, single submitter. Criteria: ACMG Guidelines, 2015. Collection method: clinical testing. Allele origin: germline. Observed: 4 variant alleles.
Comment: BS1, BP4, BP7

PreventionGenetics, part of Exact Sciences
Classification: Benign for TTN-related condition. Last evaluated: 2025-05-21. Review status: criteria provided, single submitter. Criteria: ACMG Guidelines, 2015. Collection method: clinical testing. Allele origin: germline.
Comment: This variant is classified as benign based on ACMG/AMP sequence variant interpretation guidelines (Richards et al. 2015 PMID: 25741868, with internal and published modifications).

ARUP Laboratories, Molecular Genetics and Genomics, ARUP Laboratories
Classification: Benign. Last evaluated: 2025-05-15. Review status: criteria provided, single submitter. Criteria: ARUP Molecular Germline Variant Investigation Process 2024. Collection method: clinical testing. Allele origin: germline.

Molecular Diagnostic Laboratory for Inherited Cardiovascular Disease, Montreal Heart Institute
Classification: Benign. Last evaluated: 2025-04-09. Review status: criteria provided, single submitter. Criteria: ACMG Guidelines, 2015. Collection method: clinical testing. Allele origin: germline. Affected: no.

Blueprint Genetics
Classification: Likely benign. Last evaluated: 2024-09-24. Review status: criteria provided, single submitter. Criteria: ACMG Guidelines, 2015. Collection method: clinical testing. Allele origin: germline.

CHEO Genetics Diagnostic Laboratory, Children's Hospital of Eastern Ontario
Classification: Benign for Cardiomyopathy. Last evaluated: 2023-04-24. Review status: criteria provided, single submitter. Criteria: ACMG Guidelines, 2015. Collection method: clinical testing. Allele origin: germline.

Athena Diagnostics
Classification: Benign. Last evaluated: 2021-03-18. Review status: criteria provided, single submitter. Criteria: Athena Diagnostics criteria. Collection method: clinical testing. Allele origin: unknown.

Women's Health and Genetics/Laboratory Corporation of America, LabCorp
Classification: Benign. Last evaluated: 2020-11-14. Review status: criteria provided, single submitter. Criteria: LabCorp Variant Classification Summary - May 2015. Collection method: clinical testing. Allele origin: germline.

Illumina Laboratory Services, Illumina
Classification: Benign for Myopathy, myofibrillar, 9, with early respiratory failure. Last evaluated: 2018-01-13. Review status: criteria provided, single submitter. Criteria: ICSL Variant Classification Criteria 13 December 2019. Collection method: clinical testing. Allele origin: germline.
Comment: This variant was observed in the ICSL laboratory as part of a predisposition screen in an ostensibly healthy population. It had not been previously curated by ICSL or reported in the Human Gene Mutation Database (HGMD: prior to June 1st, 2018), and was therefore a candidate for classification through an automated scoring system. Utilizing variant allele frequency, disease prevalence and penetrance estimates, and inheritance mode, an automated score was calculated to assess if this variant is too frequent to cause the disease. Based on the score and internal cut-off values, a variant classified as benign is not then subjected to further curation. The score for this variant resulted in a classification of benign for this disease.

Illumina Laboratory Services, Illumina
Classification: Uncertain significance for Early-onset myopathy with fatal cardiomyopathy. Last evaluated: 2018-01-13. Review status: criteria provided, single submitter. Criteria: ICSL Variant Classification Criteria 13 December 2019. Collection method: clinical testing. Allele origin: germline.

Illumina Laboratory Services, Illumina
Classification: Benign for Tibial muscular dystrophy. Last evaluated: 2018-01-13. Review status: criteria provided, single submitter. Criteria: ICSL Variant Classification Criteria 13 December 2019. Collection method: clinical testing. Allele origin: germline.
Comment: the same text as in the submission from Illumina Laboratory Services, Illumina above.

Illumina Laboratory Services, Illumina
Classification: Uncertain significance for Autosomal recessive limb-girdle muscular dystrophy type 2J. Last evaluated: 2018-01-13. Review status: criteria provided, single submitter. Criteria: ICSL Variant Classification Criteria 13 December 2019. Collection method: clinical testing. Allele origin: germline.

Illumina Laboratory Services, Illumina
Classification: Likely benign for Dilated cardiomyopathy 1G. Last evaluated: 2018-01-13. Review status: criteria provided, single submitter. Criteria: ICSL Variant Classification Criteria 13 December 2019. Collection method: clinical testing. Allele origin: germline.
Comment: This variant was observed in the ICSL laboratory as part of a predisposition screen in an ostensibly healthy population. It had not been previously curated by ICSL or reported in the Human Gene Mutation Database (HGMD: prior to June 1st, 2018), and was therefore a candidate for classification through an automated scoring system. Utilizing variant allele frequency, disease prevalence and penetrance estimates, and inheritance mode, an automated score was calculated to assess if this variant is too frequent to cause the disease. Based on the score and internal cut-off values, a variant classified as likely benign is not then subjected to further curation. The score for this variant resulted in a classification of likely benign for this disease.

Eurofins Ntd Llc (ga)
Classification: Benign. Last evaluated: 2016-07-28. Review status: criteria provided, single submitter. Criteria: EGL Classification Definitions 2015. Collection method: clinical testing. Allele origin: germline. Observed: 7 variant alleles, 7 heterozygotes.

GeneDx
Classification: Benign. Last evaluated: 2014-02-14. Review status: criteria provided, single submitter. Criteria: GeneDx Variant Classification (06012015). Collection method: clinical testing. Allele origin: germline. Affected: yes.
Comment: This variant is considered likely benign or benign based on one or more of the following criteria: it is a conservative change, it occurs at a poorly conserved position in the protein, it is predicted to be benign by multiple in silico algorithms, and/or has population frequency not consistent with disease.

Ambry Genetics
Classification: Likely benign for Cardiovascular phenotype. Last evaluated: 2013-05-20. Review status: criteria provided, single submitter. Criteria: Ambry Autosomal Dominant and X-Linked criteria (10/2015). Collection method: clinical testing. Allele origin: germline. Observed: 1 variant allele.

Laboratory for Molecular Medicine, Mass General Brigham Personalized Medicine
Classification: Benign. Last evaluated: 2013-02-06. Review status: criteria provided, single submitter. Criteria: LMM Criteria. Collection method: clinical testing. Allele origin: germline. Observed: 5 variant alleles.
Comment: Ser6523Ser in exon 77 of TTN: This variant is not expected to have clinical sign ificance because it has been identified in 0.6% (23/3690) of African American ch romosomes from a broad population by the NHLBI Exome Sequencing Project (dbSNP rs73038337).

Clinical Genetics DNA and cytogenetics Diagnostics Lab, Erasmus MC, Erasmus Medical Center
Classification: Likely benign. Review status: no assertion criteria provided. Collection method: clinical testing. Allele origin: germline. Affected: yes. Study: VKGL Data-share Consensus. Not counted in ClinVar's aggregate classification.

Clinical Genetics, Academic Medical Center
Classification: Benign. Review status: no assertion criteria provided. Collection method: clinical testing. Allele origin: germline. Affected: yes. Study: VKGL Data-share Consensus. Not counted in ClinVar's aggregate classification.

Diagnostic Laboratory, Department of Genetics, University Medical Center Groningen
Classification: Likely benign. Review status: no assertion criteria provided. Collection method: clinical testing. Allele origin: germline. Affected: yes. Study: VKGL Data-share Consensus. Not counted in ClinVar's aggregate classification.